The following is an entry in ClinVar:

ClinVar aggregate classification (germline): Uncertain significance (1 of 4 stars; one submission).

Allele frequency attached by ClinVar (database versions not stated): gnomAD exomes below 0.00001 and 0.00001; TOPMed below 0.00001; ExAC 0.00001.

Submission:

Labcorp Genetics (formerly Invitae), Labcorp
Classification: Uncertain significance. Last evaluated: 2024-12-08. Review status: criteria provided, single submitter. Criteria: Invitae Variant Classification Sherloc (09022015). Collection method: clinical testing. Allele origin: germline.
Comment: This sequence change replaces threonine, which is neutral and polar, with alanine, which is neutral and non-polar, at codon 211 of the KLHL9 protein (p.Thr211Ala). This variant is present in population databases (rs767704423, gnomAD 0.0009%). This variant has not been reported in the literature in individuals affected with KLHL9-related conditions. ClinVar contains an entry for this variant (Variation ID: 1484884). Invitae Evidence Modeling of protein sequence and biophysical properties (such as structural, functional, and spatial information, amino acid conservation, physicochemical variation, residue mobility, and thermodynamic stability) indicates that this missense variant is not expected to disrupt KLHL9 protein function with a negative predictive value of 80%. In summary, the available evidence is currently insufficient to determine the role of this variant in disease. Therefore, it has been classified as a Variant of Uncertain Significance.

NM_018847.4(KLHL9):c.631A>G (p.Thr211Ala)

Gene: KLHL9 (kelch like family member 9; minus strand). Cytogenetic location: 9p21.3.
Variant type: single nucleotide variant.
Coding change: c.631A>G on transcript NM_018847.4 (MANE Select); coding-DNA position 631, A replaced by G.
Protein change: p.Thr211Ala; replaces threonine 211 with alanine.
Molecular consequence: missense variant.
Genome position (GRCh38, 1-based): chr9:21,334,229, T>C on the plus strand (A>G on the coding strand, the complement: KLHL9 is on the minus strand). VCF-style: chr9-21334229-T-C. GRCh37 (hg19) VCF-style: chr9-21334228-T-C.
Other names: short protein forms T211A.
Identifiers: ClinVar variation 1484884 (VCV001484884.6), dbSNP rs767704423, ClinGen allele CA5010630.